The following is an entry in ClinVar:

NM_152564.5(VPS13B):c.3667-1G>A

Gene: VPS13B (vacuolar protein sorting 13 homolog B; plus strand). Cytogenetic location: 8q22.2.
Variant type: single nucleotide variant.
Coding change: c.3667-1G>A on transcript NM_152564.5 (MANE Select); the canonical splice acceptor site of the intron before coding-DNA position 3667, G replaced by A.
Molecular consequence: splice acceptor variant.
Genome position (GRCh38, 1-based): chr8:99,481,598, G>A. VCF-style: chr8-99481598-G-A. GRCh37 (hg19) VCF-style: chr8-100493826-G-A.
Other names: c.3667-1G>A (NM_017890.5).
Identifiers: ClinVar variation 551461 (VCV000551461.5), dbSNP rs750609612, ClinGen allele CA182976663.

ClinVar aggregate classification (germline): Likely pathogenic. Review status: criteria provided, single submitter (1 of 4 stars). 2 submissions from 2 submitters: Likely pathogenic (1). 1 of the submissions does not count toward it. Last evaluated 2023-05-23.

Conditions:
Cohen syndrome (COH1). Also called: Cutis verticis gyrata, retinitis pigmentosa, and sensorineural deafness; PEPPER SYNDROME. Identifiers: Orphanet 193, MedGen C0265223, MONDO:0008999, OMIM 216550.

Allele frequency attached by ClinVar (database versions not stated): gnomAD exomes 0.00001.
gnomAD v4.1: 9 of 1,613,464 alleles (0.00056%); highest among the groups gnomAD compares: Non-Finnish European, 0.00076%; no homozygotes.

Submissions (2):

Labcorp Genetics (formerly Invitae), Labcorp
Classification: Likely pathogenic for Cohen syndrome. Last evaluated: 2023-05-23. Review status: criteria provided, single submitter. Criteria: Invitae Variant Classification Sherloc (09022015). Collection method: clinical testing. Allele origin: germline.
Comment: In summary, the currently available evidence indicates that the variant is pathogenic, but additional data are needed to prove that conclusively. Therefore, this variant has been classified as Likely Pathogenic. Algorithms developed to predict the effect of sequence changes on RNA splicing suggest that this variant may disrupt the consensus splice site. ClinVar contains an entry for this variant (Variation ID: 551461). This variant has not been reported in the literature in individuals affected with VPS13B-related conditions. This variant is not present in population databases (gnomAD no frequency). This sequence change affects an acceptor splice site in intron 24 of the VPS13B gene. It is expected to disrupt RNA splicing. Variants that disrupt the donor or acceptor splice site typically lead to a loss of protein function (PMID: 16199547), and loss-of-function variants in VPS13B are known to be pathogenic (PMID: 15141358, 16648375, 20461111).

Counsyl
Classification: Likely pathogenic for Cohen syndrome. Last evaluated: 2017-04-11. Review status: no assertion criteria provided. Collection method: clinical testing. Allele origin: unknown. Not counted in ClinVar's aggregate classification.

Literature cited by the submitters: PubMed 16199547 (cited by Labcorp Genetics (formerly Invitae), Labcorp); PubMed 15141358 (cited by Labcorp Genetics (formerly Invitae), Labcorp); PubMed 16648375 (cited by Labcorp Genetics (formerly Invitae), Labcorp); PubMed 20461111 (cited by Labcorp Genetics (formerly Invitae), Labcorp).